The following is an entry in ClinVar:

NM_001182.5(ALDH7A1):c.1062T>A (p.Tyr354Ter)

Gene: ALDH7A1 (aldehyde dehydrogenase 7 family member A1; minus strand). Cytogenetic location: 5q23.2.
Variant type: single nucleotide variant.
Coding change: c.1062T>A on transcript NM_001182.5 (MANE Select); coding-DNA position 1062, T replaced by A.
Protein change: p.Tyr354Ter; replaces tyrosine 354 with a stop codon.
Molecular consequence: nonsense. On other transcripts: intron variant (1).
Genome position (GRCh38, 1-based): chr5:126,555,962, A>T on the plus strand (T>A on the coding strand, the complement: ALDH7A1 is on the minus strand). VCF-style: chr5-126555962-A-T. GRCh37 (hg19) VCF-style: chr5-125891654-A-T.
Other names: c.978T>A, p.Tyr326Ter (NM_001201377.2); c.1008+3278T>A (NM_001202404.2); short protein forms Y326*, Y354*.
Identifiers: ClinVar variation 5006821 (VCV005006821.2).

ClinVar aggregate classification (germline): Likely pathogenic (1 of 4 stars; one submission).

Conditions:
Pyridoxine-dependent epilepsy (EPEO4). Also called: Pyridoxine-Dependent Epilepsy - ALDH7A1; PYRIDOXINE DEPENDENCY WITH SEIZURES; EPILEPSY, EARLY-ONSET, 4, VITAMIN B6-DEPENDENT; Pyridoxine-Dependent Seizures. Identifiers: Orphanet 3006, MedGen C1849508, MONDO:0009945, OMIM 266100. Disease mechanism: loss of function.

Submission:

Juno Genomics, Hangzhou Juno Genomics, Inc
Classification: Likely pathogenic for Pyridoxine-dependent epilepsy. Review status: criteria provided, single submitter. Criteria: ACMG Guidelines, 2015. Collection method: clinical testing. Allele origin: germline.
Comment: Null variant in a gene where loss of function (LOF) is a known mechanism of disease.;Absent from controls (or at extremely low frequency if recessive) in Genome Aggregation Database.